The following is an entry in ClinVar:

ClinVar aggregate classification (germline): Conflicting classifications of pathogenicity. Review status: criteria provided, conflicting classifications (1 of 4 stars). 7 submissions from 7 submitters: Pathogenic (1); Likely pathogenic (2); Uncertain significance (4). Last evaluated 2026-04-20.

Conditions:
Inborn genetic diseases. Identifiers: MedGen C0950123, MeSH D030342.
Neuronal ceroid lipofuscinosis. Also called: Neuronal Ceroid Lipofuscinoses. Identifiers: Orphanet 216, Orphanet 79263, MedGen C0027877, MONDO:0016295. Disease mechanism: loss of function.
Neuronal ceroid lipofuscinosis 7 (CLN7). Also called: MFSD8-Related Neuronal Ceroid-Lipofuscinosis. Identifiers: Orphanet 168491, Orphanet 228366, MedGen C1838571, MONDO:0012588, OMIM 610951.

Allele frequency attached by ClinVar (database versions not stated): ExAC 0.00002; gnomAD below 0.00001 and 0.00002; 1000 Genomes Project 30x 0.00016; gnomAD exomes 0.00002; 1000 Genomes Project 0.00020.
gnomAD v4.1: 26 of 1,613,710 alleles (0.0016%); highest among the groups gnomAD compares: South Asian, 0.029%; no homozygotes.

Submissions (7):

Centre for Medical Genetics,  Mumbai
Classification: Likely pathogenic for Neuronal ceroid lipofuscinosis 7. Last evaluated: 2026-04-20. Review status: criteria provided, single submitter. Criteria: ACMG Guidelines, 2015. Collection method: provider interpretation. Allele origin: germline. Inheritance: Autosomal recessive inheritance. Affected: yes. Observed: 1 variant allele, 1 homozygote.
Comment: The variant satisfies PM3 criteria - for recessive disorders, detected in trans with a pathogenic variant, or in a homozygous or compound heterozygous state in affected cases. The variant satisfies PM2 criteria - extremely low frequency in gnomAD population databases. The variant satisfies PP2 criteria - missense variant in a gene with low rate of benign missense mutations and for which missense mutation is a common mechanism of a disease. Hence, the variant should be considered as a likely pathogenic variant for Ceroid lipofuscinosis, neuronal, 7

Women's Health and Genetics/Laboratory Corporation of America, LabCorp
Classification: Likely pathogenic for Neuronal ceroid lipofuscinosis. Last evaluated: 2025-03-25. Review status: criteria provided, single submitter. Criteria: LabCorp Variant Classification Summary - May 2015. Collection method: clinical testing. Allele origin: germline.
Comment: Variant summary: MFSD8 c.935T>C (p.Ile312Thr) results in a non-conservative amino acid change in the encoded protein sequence. Four of five in-silico tools predict a damaging effect of the variant on protein function. The variant allele was found at a frequency of 2.4e-05 in 251320 control chromosomes. c.935T>C has been reported in the literature in individuals affected with Adult-onset ataxia and macular dystrophy (example: Dobloug_2024). These data indicate that the variant is likely to be associated with disease. To our knowledge, no experimental evidence demonstrating an impact on protein function has been reported. The following publication has been ascertained in the context of this evaluation (PMID: 39108195). ClinVar contains an entry for this variant (Variation ID: 211495). Based on the evidence outlined above, the variant was classified as likely pathogenic.

Ambry Genetics
Classification: Uncertain significance for Inborn genetic diseases. Last evaluated: 2022-06-24. Review status: criteria provided, single submitter. Criteria: Ambry Variant Classification Scheme 2023. Collection method: clinical testing. Allele origin: germline.

Foundation for Research in Genetics and Endocrinology, FRIGE's Institute of Human Genetics
Classification: Uncertain significance for Neuronal ceroid lipofuscinosis 7. Last evaluated: 2019-04-17. Review status: criteria provided, single submitter. Criteria: ACMG Guidelines, 2015. Collection method: clinical testing. Allele origin: germline. Inheritance: Autosomal recessive inheritance. Affected: yes. Observed: 1 homozygote.
Comment: This variant has been reported in an Indian family with an autosomal recessive inheritance. MRI showed cerebellar atrophy. The variant has been reported in the dbSNP database with an identification number rs556875684 and in the Exome Aggregation Consortium (ExAC) database, as a rare variant. In-Silico prediction of the variant is damaging by LRT, PolyPhen2 and MutationTaster. In summary, the Ile312Thr variant meets our criteria to be classified as uncertain significance.

Sadaf Naz Human Genetics Laboratory, University of the Punjab
Classification: Pathogenic for Neuronal ceroid lipofuscinosis 7. Last evaluated: 2018-09-21. Review status: criteria provided, single submitter. Criteria: ACMG Guidelines, 2015. Collection method: research. Allele origin: germline. Inheritance: Autosomal recessive inheritance. Affected: yes. Observed: 4 variant alleles. Clinical features observed: Gait ataxia (HP:0002066), limb ataxia, saccadic oculomotor disturbances.
Comment: Variant Ile312Thr is associated with adult onset cerebellar ataxia in multiple individuals of a consanguineous family. Patients exhibit wide based gait and frequent falls, lateral body sway and had slow saccadic oculomotor disturbances, dysarthria and impaired limb coordination. The variant had very low allele frequency in gnomAD and affects an amino acid which is conserved in all vertebrates except mouse. The variant was absent in 600 chromosomes of ethnically matched control population. The variant had been associated with adult onset ataxia and maculopathy in two unrelated south Asian individuals. In summary, we classify the variant Ile312Thr as pathogenic based on our segregation analysis and its absence in the ethnically matched control population.

Genomic Research Center, Shahid Beheshti University of Medical Sciences
Classification: Uncertain significance for Neuronal ceroid lipofuscinosis 7. Last evaluated: 2018-03-05. Review status: criteria provided, single submitter. Criteria: ACMG Guidelines, 2015. Collection method: clinical testing. Allele origin: inherited. Affected: no. Observed: 1 variant allele.

Genetic Services Laboratory, University of Chicago
Classification: Uncertain significance. Last evaluated: 2015-07-31. Review status: criteria provided, single submitter. Criteria: ACMG Guidelines, 2015. Collection method: clinical testing. Allele origin: germline.

Literature cited by the submitters: PubMed 17564970 (cited by Centre for Medical Genetics,  Mumbai); PubMed 39108195 (cited by Women's Health and Genetics/Laboratory Corporation of America, LabCorp and Sadaf Naz Human Genetics Laboratory, University of the Punjab).

NM_001371596.2(MFSD8):c.935T>C (p.Ile312Thr)

Gene: MFSD8 (major facilitator superfamily domain containing 8; minus strand). Cytogenetic location: 4q28.2.
Variant type: single nucleotide variant.
Coding change: c.935T>C on transcript NM_001371596.2 (MANE Select); coding-DNA position 935, T replaced by C.
Protein change: p.Ile312Thr; replaces isoleucine 312 with threonine.
Molecular consequence: missense variant.
Genome position (GRCh38, 1-based): chr4:127,930,746, A>G on the plus strand (T>C on the coding strand, the complement: MFSD8 is on the minus strand). VCF-style: chr4-127930746-A-G. GRCh37 (hg19) VCF-style: chr4-128851901-A-G.
Other names: c.935T>C (NM_152778.3); c.734T>C, p.Ile245Thr (NM_001363520.3); c.620T>C, p.Ile207Thr (NM_001363521.3); c.800T>C, p.Ile267Thr (NM_001371590.2); c.935T>C, p.Ile312Thr (NM_001371591.2, NM_152778.4); c.941T>C, p.Ile314Thr (NM_001371592.2); c.821T>C, p.Ile274Thr (NM_001371593.2, NM_001410766.1); c.788T>C, p.Ile263Thr (NM_001371594.2); and 2 more; short protein forms I312T, I207T, I245T, I218T, I263T, I267T, I274T, I314T.
Identifiers: ClinVar variation 211495 (VCV000211495.17), dbSNP rs556875684, ClinGen allele CA207954.